The following is an entry in ClinVar:

NM_005157.6(ABL1):c.1417C>G (p.Arg473Gly)

Gene: ABL1 (ABL proto-oncogene 1, non-receptor tyrosine kinase; plus strand). Cytogenetic location: 9q34.12.
Variant type: single nucleotide variant.
Coding change: c.1417C>G on transcript NM_005157.6 (MANE Select); coding-DNA position 1417, C replaced by G.
Protein change: p.Arg473Gly; replaces arginine 473 with glycine.
Molecular consequence: missense variant.
Genome position (GRCh38, 1-based): chr9:130,878,561, C>G. VCF-style: chr9-130878561-C-G. GRCh37 (hg19) VCF-style: chr9-133753948-C-G.
Other names: c.1474C>G, p.Arg492Gly (NM_007313.3); short protein forms R473G, R492G.
Identifiers: ClinVar variation 133452 (VCV000133452.3), dbSNP rs377657490, ClinGen allele CA156566.

ClinVar aggregate classification (germline): Likely benign. Review status: criteria provided, single submitter (1 of 4 stars). 2 submissions from 2 submitters: Likely benign (1). 1 of the submissions does not count toward it. Last evaluated 2026-01-03.

Allele frequency attached by ClinVar (database versions not stated): gnomAD 0.00003; gnomAD exomes below 0.00001; ESP Exome Variant Server 0.00015; ExAC 0.00002; TOPMed 0.00004.
gnomAD v4.1: 6 of 1,614,088 alleles (0.00037%); highest among the groups gnomAD compares: African/African-American, 0.0053%; no homozygotes.

Submissions (2):

Labcorp Genetics (formerly Invitae), Labcorp
Classification: Likely benign. Last evaluated: 2026-01-03. Review status: criteria provided, single submitter. Criteria: Invitae Variant Classification Sherloc (09022015). Collection method: clinical testing. Allele origin: germline.

ITMI
No classification provided. Condition: AllHighlyPenetrant. Last evaluated: 2013-09-19. Review status: no classification provided. Collection method: reference population. Allele origin: germline. Not counted in ClinVar's aggregate classification.
Comment: Please see associated publication for description of ethnicities

Literature cited by the submitters: PubMed 24728327 (cited by ITMI).